The following is an entry in ClinVar:

NM_014225.6(PPP2R1A):c.284C>T (p.Ser95Leu)

Gene: PPP2R1A (protein phosphatase 2 scaffold subunit Aalpha; plus strand). Cytogenetic location: 19q13.41.
Variant type: single nucleotide variant.
Coding change: c.284C>T on transcript NM_014225.6 (MANE Select); coding-DNA position 284, C replaced by T.
Protein change: p.Ser95Leu; replaces serine 95 with leucine.
Molecular consequence: missense variant. On other transcripts: 5 prime UTR variant (1), non-coding transcript variant (1).
Genome position (GRCh38, 1-based): chr19:52,211,273, C>T. VCF-style: chr19-52211273-C-T. GRCh37 (hg19) VCF-style: chr19-52714526-C-T.
Other names: c.-254C>T (NM_001363656.2); short protein forms S95L.
Identifiers: ClinVar variation 1403540 (VCV001403540.8), dbSNP rs148604195, ClinGen allele CA9621312.

ClinVar aggregate classification (germline): Uncertain significance (1 of 4 stars; one submission).

Allele frequency attached by ClinVar (database versions not stated): gnomAD exomes below 0.00001; ExAC 0.00001; ESP Exome Variant Server 0.00008.

Submission:

Labcorp Genetics (formerly Invitae), Labcorp
Classification: Uncertain significance. Last evaluated: 2025-08-02. Review status: criteria provided, single submitter. Criteria: Invitae Variant Classification Sherloc (09022015). Collection method: clinical testing. Allele origin: germline.
Comment: This sequence change replaces serine, which is neutral and polar, with leucine, which is neutral and non-polar, at codon 95 of the PPP2R1A protein (p.Ser95Leu). This variant is not present in population databases (gnomAD no frequency). This variant has not been reported in the literature in individuals affected with PPP2R1A-related conditions. ClinVar contains an entry for this variant (Variation ID: 1403540). Invitae Evidence Modeling of protein sequence and biophysical properties (such as structural, functional, and spatial information, amino acid conservation, physicochemical variation, residue mobility, and thermodynamic stability) indicates that this missense variant is not expected to disrupt PPP2R1A protein function with a negative predictive value of 80%. In summary, the available evidence is currently insufficient to determine the role of this variant in disease. Therefore, it has been classified as a Variant of Uncertain Significance.